The following is an entry in ClinVar:

NM_032802.4(SPPL2A):c.536C>A (p.Ala179Glu)

Gene: SPPL2A (signal peptide peptidase like 2A; minus strand). Cytogenetic location: 15q21.2.
Variant type: single nucleotide variant.
Coding change: c.536C>A on transcript NM_032802.4 (MANE Select); coding-DNA position 536, C replaced by A.
Protein change: p.Ala179Glu; replaces alanine 179 with glutamic acid.
Molecular consequence: missense variant.
Genome position (GRCh38, 1-based): chr15:50,747,543, G>T on the plus strand (C>A on the coding strand, the complement: SPPL2A is on the minus strand). VCF-style: chr15-50747543-G-T. GRCh37 (hg19) VCF-style: chr15-51039740-G-T.
Other names: short protein forms A179E.
Identifiers: ClinVar variation 2194893 (VCV002194893.4), dbSNP rs200127156, ClinGen allele CA7558484.

ClinVar aggregate classification (germline): Uncertain significance (1 of 4 stars; one submission).

gnomAD v4.1: 13 of 1,610,640 alleles (0.00081%); highest among the groups gnomAD compares: Non-Finnish European, 0.0011%; no homozygotes.

Submission:

Labcorp Genetics (formerly Invitae), Labcorp
Classification: Uncertain significance. Last evaluated: 2024-10-28. Review status: criteria provided, single submitter. Criteria: Invitae Variant Classification Sherloc (09022015). Collection method: clinical testing. Allele origin: germline.
Comment: This sequence change replaces alanine, which is neutral and non-polar, with glutamic acid, which is acidic and polar, at codon 179 of the SPPL2A protein (p.Ala179Glu). This variant is present in population databases (rs200127156, gnomAD 0.004%). This variant has not been reported in the literature in individuals affected with SPPL2A-related conditions. ClinVar contains an entry for this variant (Variation ID: 2194893). An algorithm developed to predict the effect of missense changes on protein structure and function (PolyPhen-2) suggests that this variant is likely to be disruptive. In summary, the available evidence is currently insufficient to determine the role of this variant in disease. Therefore, it has been classified as a Variant of Uncertain Significance.